The following is an entry in ClinVar:

NM_001009944.3(PKD1):c.10961_10982del (p.Leu3654fs)

Genes: PKD1-AS1 (PKD1 antisense RNA 1; plus strand), PKD1 (polycystin 1, transient receptor potential channel interacting; minus strand). Cytogenetic location: 16p13.3.
Variant type: Deletion.
Coding change: c.10961_10982del on transcript NM_001009944.3 (MANE Select); coding-DNA positions 10961 to 10982, 22 bases deleted (TCTTCCTGGCCAAGGAAGAAGC).
Protein change: p.Leu3654fs; shifts the reading frame from leucine 3654.
Molecular consequence: frameshift variant.
Genome position (GRCh38, 1-based): chr16:2,093,578-2,093,599, GCTTCTTCCTTGGCCAGGAAGA deleted on the plus strand (TCTTCCTGGCCAAGGAAGAAGC on the coding strand, the reverse complement: PKD1 is on the minus strand); deleting any 22 consecutive bases within chr16:2,093,578-2,093,600 gives the same sequence; the c. name uses the placement nearest the transcript's 3' end. VCF-style (leftmost placement, unchanged base first): chr16-2093577-GGCTTCTTCCTTGGCCAGGAAGA-G. GRCh37 (hg19) VCF-style: chr16-2143578-GGCTTCTTCCTTGGCCAGGAAGA-G.
Other names: c.10958_10979del, p.Leu3653fs (NM_000296.4); short protein forms L3653fs, L3654fs.
Identifiers: ClinVar variation 3066270 (VCV003066270.1), dbSNP rs2544646598, ClinGen allele CA2740098064.

ClinVar aggregate classification (germline): Pathogenic (1 of 4 stars; one submission).

Conditions:
Polycystic kidney disease, adult type (PKD1). Also called: Polycystic Kidney, Autosomal Dominant; POLYCYSTIC KIDNEY DISEASE 1 WITH OR WITHOUT POLYCYSTIC LIVER DISEASE; Polycystic Kidney Disease 1, Autosomal Dominant; Polycystic kidney disease 1; Polycystic kidney disease 1, severe; POLYCYSTIC KIDNEY DISEASE, ADULT, TYPE I. Identifiers: MedGen C3149841, MONDO:0008263, OMIM 173900.

Submission:

MVZ Medizinische Genetik Mainz
Classification: Pathogenic for Polycystic kidney disease, adult type. Last evaluated: 2022-05-18. Review status: criteria provided, single submitter. Criteria: UK Practice Guidelines For Variant Classification V4 01 2020. Collection method: clinical testing. Allele origin: germline. Inheritance: Autosomal dominant inheritance. Affected: yes. Observed: 1 variant allele.
Comment: ACMG Criteria: PVS1, PM2_SUP, PP4 (ACMG Version 3)